The following is an entry in ClinVar:

ClinVar aggregate classification (germline): Uncertain significance. Review status: criteria provided, multiple submitters, no conflicts (2 of 4 stars). 2 submissions from 2 submitters: Uncertain significance (2). Last evaluated 2025-02-20.

Allele frequency attached by ClinVar (database versions not stated): gnomAD exomes 0.00001; gnomAD 0.00002; TOPMed 0.00003.

Submissions (2):

Labcorp Genetics (formerly Invitae), Labcorp
Classification: Uncertain significance. Last evaluated: 2025-02-20. Review status: criteria provided, single submitter. Criteria: Invitae Variant Classification Sherloc (09022015). Collection method: clinical testing. Allele origin: germline.
Comment: This sequence change replaces arginine, which is basic and polar, with tryptophan, which is neutral and slightly polar, at codon 7 of the KLHDC8B protein (p.Arg7Trp). This variant is present in population databases (no rsID available, gnomAD 0.02%). This variant has not been reported in the literature in individuals affected with KLHDC8B-related conditions. ClinVar contains an entry for this variant (Variation ID: 2146540). An algorithm developed to predict the effect of missense changes on protein structure and function (PolyPhen-2) suggests that this variant is likely to be disruptive. In summary, the available evidence is currently insufficient to determine the role of this variant in disease. Therefore, it has been classified as a Variant of Uncertain Significance.

Ambry Genetics
Classification: Uncertain significance. Last evaluated: 2023-12-26. Review status: criteria provided, single submitter. Criteria: Ambry Variant Classification Scheme 2023. Collection method: clinical testing. Allele origin: germline.

NM_173546.3(KLHDC8B):c.19C>T (p.Arg7Trp)

Gene: KLHDC8B (kelch domain containing 8B; plus strand). Cytogenetic location: 3p21.31.
Variant type: single nucleotide variant.
Coding change: c.19C>T on transcript NM_173546.3 (MANE Select); coding-DNA position 19, C replaced by T.
Protein change: p.Arg7Trp; replaces arginine 7 with tryptophan.
Molecular consequence: missense variant.
Genome position (GRCh38, 1-based): chr3:49,172,788, C>T. VCF-style: chr3-49172788-C-T. GRCh37 (hg19) VCF-style: chr3-49210221-C-T.
Other names: c.19C>T (NM_173546.2); short protein forms R7W.
Identifiers: ClinVar variation 2146540 (VCV002146540.5), dbSNP rs890918654, ClinGen allele CA74524091.